The following is an entry in ClinVar:

ClinVar aggregate classification (germline): Uncertain significance. Review status: criteria provided, multiple submitters, no conflicts (2 of 4 stars). 2 submissions from 2 submitters: Uncertain significance (2). Last evaluated 2025-03-15.

Conditions:
Inborn genetic diseases. Identifiers: MedGen C0950123, MeSH D030342.

Allele frequency attached by ClinVar (database versions not stated): TOPMed 0.00001.
gnomAD v4.1: 2 of 1,614,246 alleles (0.00012%); highest among the groups gnomAD compares: African/African-American, 0.0027%; no homozygotes.

Submissions (2):

Ambry Genetics
Classification: Uncertain significance for Inborn genetic diseases. Last evaluated: 2025-03-15. Review status: criteria provided, single submitter. Criteria: Ambry Variant Classification Scheme 2023. Collection method: clinical testing. Allele origin: germline.

GeneDx
Classification: Uncertain significance. Last evaluated: 2021-04-26. Review status: criteria provided, single submitter. Criteria: GeneDx Variant Classification Process June 2021. Collection method: clinical testing. Allele origin: germline. Affected: yes.
Comment: Not observed in large population cohorts (Lek et al., 2016); In silico analysis supports that this missense variant does not alter protein structure/function; Has not been previously published as pathogenic or benign to our knowledge

NM_025137.4(SPG11):c.1189A>T (p.Asn397Tyr)

Gene: SPG11 (SPG11 vesicle trafficking associated, spatacsin; minus strand). Cytogenetic location: 15q21.1.
Variant type: single nucleotide variant.
Coding change: c.1189A>T on transcript NM_025137.4 (MANE Select); coding-DNA position 1189, A replaced by T.
Protein change: p.Asn397Tyr; replaces asparagine 397 with tyrosine.
Molecular consequence: missense variant.
Genome position (GRCh38, 1-based): chr15:44,651,758, T>A on the plus strand (A>T on the coding strand, the complement: SPG11 is on the minus strand). VCF-style: chr15-44651758-T-A. GRCh37 (hg19) VCF-style: chr15-44943956-T-A.
Other names: c.1189A>T, p.Asn397Tyr (NM_001160227.2); short protein forms N397Y.
Identifiers: ClinVar variation 1314642 (VCV001314642.3), dbSNP rs2084784763, ClinGen allele CA392236394.